The following is an entry in ClinVar:

NM_005223.4(DNASE1):c.772del (p.Gln258fs)

Gene: DNASE1 (deoxyribonuclease 1; plus strand). Cytogenetic location: 16p13.3.
Variant type: Deletion.
Coding change: c.772del on transcript NM_005223.4 (MANE Select); coding-DNA position 772, one base deleted (C; older notation c.772delC).
Protein change: p.Gln258fs; shifts the reading frame from glutamine 258.
Molecular consequence: frameshift variant. On other transcripts: non-coding transcript variant (2).
Genome position (GRCh38, 1-based): chr16:3,657,787, C deleted; the last of 2 consecutive C bases (chr16:3,657,786-3,657,787); deleting either gives the same sequence. VCF-style (leftmost placement, unchanged base first): chr16-3657785-TC-T. GRCh37 (hg19) VCF-style: chr16-3707786-TC-T.
Other names: c.772del, p.Gln258fs (NM_001351825.2, NM_001387135.1, NM_001387140.1); c.841del, p.Gln281fs (NM_001387139.1); c.565del, p.Gln189fs (NM_001387141.1); short protein forms Q189fs, Q258fs, Q281fs.
Identifiers: ClinVar variation 3600510 (VCV003600510.1).
Genomic context (GRCh38, chr16:3,657,785, plus strand): 5'-TGGTTGCAGGGATGCTGCTCCGAGGCGCCGTTGTTCCCGACTCGGCTCTTCCCTTTAACT[TC>T]CAGGCTGCCTATGGCCTGAGTGACCAACTGGTATGTGTCCTCCCTTGCACAGCCACATGA-3'

ClinVar aggregate classification (germline): Uncertain significance (1 of 4 stars; one submission).

Conditions:
Systemic lupus erythematosus (SLE). Identifiers: Orphanet 536, MedGen C0024141, MONDO:0007915, OMIM 152700, HP:0002725.

Submission:

Clinical Genomics Laboratory, Washington University in St. Louis
Classification: Uncertain significance for Systemic lupus erythematosus. Last evaluated: 2024-07-30. Review status: criteria provided, single submitter. Criteria: ACMG Guidelines, 2015. Collection method: clinical testing. Allele origin: germline.
Comment: The DNASE1 c.772del (p.Gln258Argfs*6) variant, to our knowledge, has not been reported in the medical literature and is only observed on 31/282,786 alleles in the general population (gnomAD v.2.1.1), indicating it is not a common variant. This variant causes a premature termination codon; however, because this occurs in the penultimate exon, this is not predicted to lead to nonsense mediated decay. Due to limited information, the clinical significance of this variant is uncertain.